The following is an entry in ClinVar:

ClinVar aggregate classification (germline): Likely benign. Review status: criteria provided, multiple submitters, no conflicts (2 of 4 stars). 3 submissions from 3 submitters: Likely benign (2). 1 of the submissions does not count toward it. Last evaluated 2025-03-11.

Conditions:
AHDC1-related disorder. Also called: AHDC1-related condition.

Allele frequency attached by ClinVar (database versions not stated): gnomAD 0.00018; 1000 Genomes Project 0.00020; ESP Exome Variant Server 0.00008; ExAC 0.00011; TOPMed 0.00014; 1000 Genomes Project 30x 0.00016.
gnomAD v4.1: 246 of 1,611,636 alleles (0.015%); highest among the groups gnomAD compares: Non-Finnish European, 0.019%; no homozygotes.

Submissions (3):

Labcorp Genetics (formerly Invitae), Labcorp
Classification: Likely benign. Last evaluated: 2025-03-11. Review status: criteria provided, single submitter. Criteria: Invitae Variant Classification Sherloc (09022015). Collection method: clinical testing. Allele origin: germline.

CeGaT Center for Human Genetics Tuebingen
Classification: Likely benign. Last evaluated: 2023-12-01. Review status: criteria provided, single submitter. Criteria: CeGaT Center For Human Genetics Tuebingen Variant Classification Criteria Version 2. Collection method: clinical testing. Allele origin: germline. Affected: yes. Observed: 1 variant allele.
Comment: AHDC1: BP4, BS1

PreventionGenetics, part of Exact Sciences
Classification: Likely benign for AHDC1-related condition. Last evaluated: 2019-03-05. Review status: no assertion criteria provided. Collection method: clinical testing. Allele origin: germline. Not counted in ClinVar's aggregate classification.
Comment: This variant is classified as likely benign based on ACMG/AMP sequence variant interpretation guidelines (Richards et al. 2015 PMID: 25741868, with internal and published modifications).

NM_001371928.1(AHDC1):c.816G>A (p.Glu272=)

Gene: AHDC1 (AT-hook DNA binding motif containing 1; minus strand). Cytogenetic location: 1p36.11.
Variant type: single nucleotide variant.
Coding change: c.816G>A on transcript NM_001371928.1 (MANE Select); coding-DNA position 816, G replaced by A.
Protein change: p.Glu272=; no amino-acid change (glutamic acid 272 retained).
Molecular consequence: synonymous variant.
Genome position (GRCh38, 1-based): chr1:27,551,300, C>T on the plus strand (G>A on the coding strand, the complement: AHDC1 is on the minus strand). VCF-style: chr1-27551300-C-T. GRCh37 (hg19) VCF-style: chr1-27877811-C-T.
Other names: c.816G>A, p.Glu272= (NM_001029882.3).
Identifiers: ClinVar variation 2149048 (VCV002149048.27), dbSNP rs185685539, ClinGen allele CA716073.